The following is an entry in ClinVar:

ClinVar aggregate classification (germline): Uncertain significance (1 of 4 stars; one submission).

Submission:

Ambry Genetics
Classification: Uncertain significance. Last evaluated: 2022-11-07. Review status: criteria provided, single submitter. Criteria: Ambry Variant Classification Scheme 2023. Collection method: clinical testing. Allele origin: germline.
Comment: The p.T576N variant (also known as c.1727C>A), located in coding exon 3 of the ALPK2 gene, results from a C to A substitution at nucleotide position 1727. The threonine at codon 576 is replaced by asparagine, an amino acid with similar properties. This amino acid position is conserved. In addition, this alteration is predicted to be tolerated by in silico analysis. Since supporting evidence is limited at this time, the clinical significance of this alteration remains unclear.

NM_052947.4(ALPK2):c.1727C>A (p.Thr576Asn)

Gene: ALPK2 (alpha kinase 2; minus strand). Cytogenetic location: 18q21.31.
Variant type: single nucleotide variant.
Coding change: c.1727C>A on transcript NM_052947.4 (MANE Select); coding-DNA position 1727, C replaced by A.
Protein change: p.Thr576Asn; replaces threonine 576 with asparagine.
Molecular consequence: missense variant.
Genome position (GRCh38, 1-based): chr18:58,579,049, G>T on the plus strand (C>A on the coding strand, the complement: ALPK2 is on the minus strand). VCF-style: chr18-58579049-G-T. GRCh37 (hg19) VCF-style: chr18-56246281-G-T.
Other names: short protein forms T576N.
Identifiers: ClinVar variation 2449197 (VCV002449197.2), dbSNP rs760690504, ClinGen allele CA402560611.